The following is an entry in ClinVar:

ClinVar aggregate classification (germline): Uncertain significance (1 of 4 stars; one submission).

Submission:

Labcorp Genetics (formerly Invitae), Labcorp
Classification: Uncertain significance. Last evaluated: 2023-12-11. Review status: criteria provided, single submitter. Criteria: Invitae Variant Classification Sherloc (09022015). Collection method: clinical testing. Allele origin: germline.
Comment: This sequence change falls in intron 19 of the ADCY5 gene. It does not directly change the encoded amino acid sequence of the ADCY5 protein. It affects a nucleotide within the consensus splice site. This variant is not present in population databases (gnomAD no frequency). This variant has not been reported in the literature in individuals affected with ADCY5-related conditions. ClinVar contains an entry for this variant (Variation ID: 1511659). Variants that disrupt the consensus splice site are a relatively common cause of aberrant splicing (PMID: 17576681, 9536098). Algorithms developed to predict the effect of sequence changes on RNA splicing suggest that this variant may disrupt the consensus splice site. In summary, the available evidence is currently insufficient to determine the role of this variant in disease. Therefore, it has been classified as a Variant of Uncertain Significance.

Literature cited by the submitters: PubMed 17576681; PubMed 9536098.

NM_183357.3(ADCY5):c.3532+5G>A

Gene: ADCY5 (adenylate cyclase 5; minus strand). Cytogenetic location: 3q21.1.
Variant type: single nucleotide variant.
Coding change: c.3532+5G>A on transcript NM_183357.3 (MANE Select); 5 bases into the intron after coding-DNA position 3532, G replaced by A.
Molecular consequence: intron variant.
Genome position (GRCh38, 1-based): chr3:123,289,745, C>T on the plus strand (G>A on the coding strand, the complement: ADCY5 is on the minus strand). VCF-style: chr3-123289745-C-T. GRCh37 (hg19) VCF-style: chr3-123008592-C-T.
Other names: c.3607+5G>A (NM_001378259.1); c.2482+5G>A (NM_001199642.1).
Identifiers: ClinVar variation 1511659 (VCV001511659.6), dbSNP rs2108182783, ClinGen allele CA2573136409.